The following is an entry in ClinVar:

ClinVar aggregate classification (germline): Uncertain significance (1 of 4 stars; one submission).

Conditions:
Inborn genetic diseases. Identifiers: MedGen C0950123, MeSH D030342.

Submission:

Ambry Genetics
Classification: Uncertain significance for Inborn genetic diseases. Last evaluated: 2025-05-22. Review status: criteria provided, single submitter. Criteria: Ambry Variant Classification Scheme 2023. Collection method: clinical testing. Allele origin: germline.
Comment: The p.T416I variant (also known as c.1247C>T), located in coding exon 8 of the MECOM gene, results from a C to T substitution at nucleotide position 1247. The threonine at codon 416 is replaced by isoleucine, an amino acid with similar properties. This amino acid position is conserved. In addition, this alteration is predicted to be deleterious by in silico analysis. Based on the available evidence, the clinical significance of this variant remains unclear.

NM_004991.4(MECOM):c.1247C>T (p.Thr416Ile)

Gene: MECOM (MDS1 and EVI1 complex locus; minus strand). Cytogenetic location: 3q26.2.
Variant type: single nucleotide variant.
Coding change: c.1247C>T on transcript NM_004991.4 (MANE Select); coding-DNA position 1247, C replaced by T.
Protein change: p.Thr416Ile; replaces threonine 416 with isoleucine.
Molecular consequence: missense variant. On other transcripts: intron variant (2).
Genome position (GRCh38, 1-based): chr3:169,116,625, G>A on the plus strand (C>T on the coding strand, the complement: MECOM is on the minus strand). VCF-style: chr3-169116625-G-A. GRCh37 (hg19) VCF-style: chr3-168834413-G-A.
Other names: c.878C>T, p.Thr293Ile (NM_001105077.4); c.683C>T, p.Thr228Ile (NM_001105078.4, NM_001164000.2, NM_001205194.2 and 4 more transcripts); c.686C>T, p.Thr229Ile (NM_001163999.2, NM_001366467.2, NM_001366468.2 and 1 more transcripts); c.1247C>T, p.Thr416Ile (NM_001366466.2); c.1133-858C>T (NM_001366473.2); c.569-858C>T (NM_001366474.2); short protein forms T229I, T293I, T416I, T228I.
Identifiers: ClinVar variation 4053282 (VCV004053282.1).
Genomic context (GRCh38, chr3:169,116,625, plus strand): 5'-CCTGCCGCAAAATGGTTCTTGCCCTCACAAAACCTCCTGTGTTTATTTAAGGAAGACGTA[G>A]TGCTGAACATTTGTCCACAGTCTTTGCACTTGATTTGGGTTCTGCAATCAGCATGCATGC-3'
Protein context (NP_004982.2, residues 406-426): KCKDCGQMFS[Thr416Ile]TSSLNKHRRF